The following is an entry in ClinVar:

ClinVar aggregate classification (germline): Uncertain significance (1 of 4 stars; one submission).

Allele frequency attached by ClinVar (database versions not stated): gnomAD exomes below 0.00001; ExAC 0.00001; gnomAD 0.00001; TOPMed 0.00001; ESP Exome Variant Server 0.00008.
gnomAD v4.1: 4 of 1,613,706 alleles (0.00025%); highest among the groups gnomAD compares: Non-Finnish European, 0.00034%; no homozygotes.

Submission:

GeneDx
Classification: Uncertain significance. Last evaluated: 2020-05-21. Review status: criteria provided, single submitter. Criteria: GeneDx Variant Classification Process June 2021. Collection method: clinical testing. Allele origin: germline. Affected: yes.
Comment: Not observed in large population cohorts (Lek et al., 2016); In-silico analysis, which includes splice predictors and evolutionary conservation, is inconclusive as to whether the variant alters gene splicing. In the absence of RNA/functional studies, the actual effect of this sequence change is unknown.; This variant is associated with the following publications: (PMID: 25666757)

NM_005529.7(HSPG2):c.7158+5G>A

Gene: HSPG2 (heparan sulfate proteoglycan 2; minus strand). Cytogenetic location: 1p36.12.
Variant type: single nucleotide variant.
Coding change: c.7158+5G>A on transcript NM_005529.7 (MANE Select); 5 bases into the intron after coding-DNA position 7158, G replaced by A.
Molecular consequence: intron variant.
Genome position (GRCh38, 1-based): chr1:21,851,541, C>T on the plus strand (G>A on the coding strand, the complement: HSPG2 is on the minus strand). VCF-style: chr1-21851541-C-T. GRCh37 (hg19) VCF-style: chr1-22178034-C-T.
Other names: c.7161+5G>A (NM_001291860.2).
Identifiers: ClinVar variation 1303119 (VCV001303119.2), dbSNP rs368828708, ClinGen allele CA671299.